The following is an entry in ClinVar:

ClinVar aggregate classification (germline): Uncertain significance. Review status: criteria provided, multiple submitters, no conflicts (2 of 4 stars). 5 submissions from 5 submitters: Uncertain significance (5). Last evaluated 2026-01-19.

Conditions:
Hereditary cancer-predisposing syndrome. Also called: Neoplastic Syndromes, Hereditary; Tumor predisposition; Hereditary Cancer Syndrome; Hereditary neoplastic syndrome. Identifiers: Orphanet 140162, MedGen C0027672, MeSH D009386, MONDO:0015356.
BAP1-related tumor predisposition syndrome (TPDS1). Also called: Tumor susceptibility linked to germline BAP1 mutations; COMMON Syndrome; TUMOR PREDISPOSITION SYNDROME 1; BAP1 tumor predisposition syndrome. Identifiers: Orphanet 289539, MedGen C3280492, MONDO:0013692, OMIM 614327.

Allele frequency attached by ClinVar (database versions not stated): gnomAD exomes below 0.00001.

Submissions (5):

Labcorp Genetics (formerly Invitae), Labcorp
Classification: Uncertain significance for BAP1-related tumor predisposition syndrome. Last evaluated: 2026-01-19. Review status: criteria provided, single submitter. Criteria: Invitae Variant Classification Sherloc (09022015). Collection method: clinical testing. Allele origin: germline.
Comment: This sequence change replaces methionine, which is neutral and non-polar, with valine, which is neutral and non-polar, at codon 80 of the BAP1 protein (p.Met80Val). This variant is not present in population databases (gnomAD no frequency). This variant has not been reported in the literature in individuals affected with BAP1-related conditions. ClinVar contains an entry for this variant (Variation ID: 926920). Invitae Evidence Modeling of protein sequence and biophysical properties (such as structural, functional, and spatial information, amino acid conservation, physicochemical variation, residue mobility, and thermodynamic stability) indicates that this missense variant is not expected to disrupt BAP1 protein function with a negative predictive value of 80%. In summary, the available evidence is currently insufficient to determine the role of this variant in disease. Therefore, it has been classified as a Variant of Uncertain Significance.

Ambry Genetics
Classification: Uncertain significance for Hereditary cancer-predisposing syndrome. Last evaluated: 2025-03-16. Review status: criteria provided, single submitter. Criteria: Ambry Variant Classification Scheme 2023. Collection method: clinical testing. Allele origin: germline.
Comment: The p.M80V variant (also known as c.238A>G), located in coding exon 4 of the BAP1 gene, results from an A to G substitution at nucleotide position 238. The methionine at codon 80 is replaced by valine, an amino acid with highly similar properties. This amino acid position is conserved. In addition, the in silico prediction for this alteration is inconclusive. Based on the available evidence, the clinical significance of this variant remains unclear.

Color Diagnostics, LLC DBA Color Health
Classification: Uncertain significance for Hereditary cancer-predisposing syndrome. Last evaluated: 2024-03-06. Review status: criteria provided, single submitter. Criteria: ACMG Guidelines, 2015. Collection method: clinical testing. Allele origin: germline.
Comment: This missense variant replaces methionine with valine at codon 80 of the BAP1 protein. Computational prediction is inconclusive regarding the impact of this variant on protein structure and function (internally defined REVEL score threshold 0.5 < inconclusive < 0.7, PMID: 27666373). To our knowledge, functional studies have not been reported for this variant. This variant has not been reported in individuals affected with hereditary cancer in the literature. This variant has not been identified in the general population by the Genome Aggregation Database (gnomAD). The available evidence is insufficient to determine the role of this variant in disease conclusively. Therefore, this variant is classified as a Variant of Uncertain Significance.

GeneDx
Classification: Uncertain significance. Last evaluated: 2023-06-20. Review status: criteria provided, single submitter. Criteria: GeneDx Variant Classification Process June 2021. Collection method: clinical testing. Allele origin: germline. Affected: yes.
Comment: Has not been previously published as pathogenic or benign to our knowledge; Not observed at significant frequency in large population cohorts (gnomAD); In silico analysis supports that this missense variant does not alter protein structure/function

Quest Diagnostics Nichols Institute San Juan Capistrano
Classification: Uncertain significance. Last evaluated: 2022-11-01. Review status: criteria provided, single submitter. Criteria: Quest Diagnostics criteria. Collection method: clinical testing. Allele origin: unknown.
Comment: The variant has not been reported in individuals with BAP1-related conditions in the published literature. It also has not been reported in large, multi-ethnic general populations. Analysis of this variant using bioinformatics tools for the prediction of the effect of amino acid changes on protein structure and function yielded predictions that this variant is benign. Based on the available information, we are unable to determine the clinical significance of this variant.

NM_004656.4(BAP1):c.238A>G (p.Met80Val)

Gene: BAP1 (BRCA1 associated deubiquitinase 1; minus strand). Cytogenetic location: 3p21.1.
Variant type: single nucleotide variant.
Coding change: c.238A>G on transcript NM_004656.4 (MANE Select); coding-DNA position 238, A replaced by G.
Protein change: p.Met80Val; replaces methionine 80 with valine.
Molecular consequence: missense variant.
Genome position (GRCh38, 1-based): chr3:52,408,491, T>C on the plus strand (A>G on the coding strand, the complement: BAP1 is on the minus strand). VCF-style: chr3-52408491-T-C. GRCh37 (hg19) VCF-style: chr3-52442507-T-C.
Other names: c.238A>G (NM_004656.2); short protein forms M80V.
Identifiers: ClinVar variation 926920 (VCV000926920.13), dbSNP rs1705235473, ClinGen allele CA353112973.
Genomic context (GRCh38, chr3:52,408,491, plus strand): 5'-GGCAGCATCCCACCCTCCAAACAAAGCACAGAGTCCAGCAGACCTGGTGGGCAAAGAACA[T>C]GTTATTCACAATATCATCATCAATCACGGACGTATCATCCACCAAGGTAGAGACCTTTCG-3'
Protein context (NP_004647.1, residues 70-90): SVIDDDIVNN[Met80Val]FFAHQLIPNS